The following is an entry in ClinVar:

ClinVar aggregate classification (germline): Benign/Likely benign. Review status: criteria provided, multiple submitters, no conflicts (2 of 4 stars). 3 submissions from 3 submitters: Benign (2); Likely benign (1). Last evaluated 2025-09-08.

Conditions:
X-linked lymphoproliferative disease due to SH2D1A deficiency (XLP1). Also called: SH2D1A-Related Lymphoproliferative Disease, X-Linked; EBV infection severe susceptibility to; Epstein Barr virus infection familial fatal; Duncan's syndrome; PURTILO SYNDROME; DUNCAN DISEASE. Identifiers: Orphanet 2442, Orphanet 538931, MedGen C5399825, MONDO:0024551, OMIM 308240.

Submissions (3):

Labcorp Genetics (formerly Invitae), Labcorp
Classification: Benign for X-linked lymphoproliferative disease due to SH2D1A deficiency. Last evaluated: 2025-09-08. Review status: criteria provided, single submitter. Criteria: Invitae Variant Classification Sherloc (09022015). Collection method: clinical testing. Allele origin: germline.

Women's Health and Genetics/Laboratory Corporation of America, LabCorp
Classification: Benign. Last evaluated: 2018-06-14. Review status: criteria provided, single submitter. Criteria: LabCorp Variant Classification Summary - May 2015. Collection method: clinical testing. Allele origin: germline.
Comment: Variant summary: SH2D1A c.347-32_347-28delATTTT is located at an intronic position not widely known to affect splicing. 5/5 computational tools predict no significant impact on normal splicing. However, these predictions have yet to be confirmed by functional studies. The variant allele was found at a frequency of 0.012 in 182144 control chromosomes in the gnomAD database, including 13 homozygotes (and 700 hemizygotes). The observed variant frequency is approximately 5.88 fold of the estimated maximal expected allele frequency for a pathogenic variant in SH2D1A causing X-linked Lymphoproliferative Disease phenotype (0.002), strongly suggesting that the variant is benign. The variant, c.347-32_347-28delATTTT has been reported in the literature in an individual affected with X-linked Lymphoproliferative Disease, who had an atypical phenotype, with no previous family history (Gilmour 2000, Nistala 2001, Plunkett 2005). These reports do not provide unequivocal conclusions about association of the variant with X-linked Lymphoproliferative Disease. The lack of protein product was also demonstrated in this patient by immunoblotting (Gilmour 2000). However, it was reported that patients who exhibit no expression of the protein product, infrequently do not demonstrate genetic defects in the coding region of SH2D1A (Filipovich 2010), therefore these data does not allow convincing conclusions about the variant effect. Moreover, in a recent study, the variant was reported to be found among patients with primary hypogammaglobulinemia with a frequency equivalent to the matching 1000 Genomes population (Vince 2018). No clinical diagnostic laboratories have submitted clinical-significance assessments for this variant to ClinVar after 2014. Based on the evidence outlined above, the variant was classified as benign.

GeneDx
Classification: Likely benign. Last evaluated: 2018-04-10. Review status: criteria provided, single submitter. Criteria: GeneDx Variant Classification (06012015). Collection method: clinical testing. Allele origin: germline. Affected: yes.
Comment: This variant is considered likely benign or benign based on one or more of the following criteria: it is a conservative change, it occurs at a poorly conserved position in the protein, it is predicted to be benign by multiple in silico algorithms, and/or has population frequency not consistent with disease.

Literature cited by the submitters: PubMed 20660790 (cited by Women's Health and Genetics/Laboratory Corporation of America, LabCorp); PubMed 15992610 (cited by Women's Health and Genetics/Laboratory Corporation of America, LabCorp); PubMed 10898506 (cited by Women's Health and Genetics/Laboratory Corporation of America, LabCorp); PubMed 24723092 (cited by Women's Health and Genetics/Laboratory Corporation of America, LabCorp); PubMed 11678908 (cited by Women's Health and Genetics/Laboratory Corporation of America, LabCorp); PubMed 29709555 (cited by Women's Health and Genetics/Laboratory Corporation of America, LabCorp).

NM_002351.5(SH2D1A):c.347-32_347-28del

Gene: SH2D1A (SH2 domain containing 1A; plus strand). Cytogenetic location: Xq25.
Variant type: Deletion.
Coding change: c.347-32_347-28del on transcript NM_002351.5 (MANE Select); 32 bases into the intron before coding-DNA position 347 through 28 bases into the intron before coding-DNA position 347, 5 bases deleted (ATTTT; older notation c.347-32_347-28delATTTT).
Molecular consequence: intron variant.
Genome position (GRCh38, 1-based): chrX:124,371,319-124,371,323, ATTTT deleted; deleting any 5 consecutive bases within chrX:124,371,316-124,371,323 gives the same sequence; the c. name uses the placement nearest the transcript's 3' end. VCF-style (leftmost placement, unchanged base first): chrX-124371315-GTTTAT-G. GRCh37 (hg19) VCF-style: chrX-123505165-GTTTAT-G.
Other names: c.347-32_347-28delATTTT (NM_002351.4); c.338-32_338-28del (NM_001114937.3).
Identifiers: ClinVar variation 632981 (VCV000632981.9), dbSNP rs200198093, ClinGen allele CA10509300.